The following continues an entry in ClinVar:

NM_002878.4(RAD51D):c.363del (p.Ala122fs)

ClinVar aggregate classification (germline): Pathogenic/Likely pathogenic. Pathogenic (14); Likely pathogenic (2).

Submissions 14 to 19 of 19:

GeneDx
Classification: Pathogenic. Last evaluated: 2018-07-02. Review status: criteria provided, single submitter. Criteria: GeneDx Variant Classification (06012015). Collection method: clinical testing. Allele origin: germline. Affected: yes.
Comment: This deletion of one nucleotide in RAD51D is denoted c.363delA at the cDNA level and p.Ala122GlnfsX14 (A122QfsX14) at the protein level. The normal sequence, with the base that is deleted in brackets, is TGGC[delA]GCAA. The deletion causes a frameshift, which changes an Alanine to a Glutamine at codon 122, and creates a premature stop codon at position 14 of the new reading frame. This variant is predicted to cause loss of normal protein function through either protein truncation or nonsense-mediated mRNA decay. We consider this variant to be pathogenic.

Mendelics
Classification: Pathogenic for Hereditary breast and ovarian cancer syndrome. Last evaluated: 2018-07-02. Review status: criteria provided, single submitter. Criteria: Mendelics Assertion Criteria 2017. Collection method: clinical testing. Allele origin: unknown.

Neuberg Centre For Genomic Medicine, NCGM
Classification: Pathogenic for Breast-ovarian cancer, familial, susceptibility to, 4. Review status: criteria provided, single submitter. Criteria: ACMG Guidelines, 2015. Collection method: clinical testing. Allele origin: germline. Inheritance: Autosomal dominant inheritance. Affected: yes.
Comment: The RAD51D c.423del(p.Ala142GlnfsTer14) variant has been reported in heterozygous state in individuals affected with Breast-Ovarian Cancer (Loveday C et al). This variant has been reported allele frequency 0.001591% in the gnomAD and novel in 1000 genome database. It has been submitted to ClinVar with varying interpretations: Pathogenic/ Likely Pathogenic. This variant is predicted to cause loss of normal protein function through either protein truncation or nonsense-mediated mRNA decay. This variant causes a frameshift starting with codon Alanine 142, changes this amino acid to Glutamine residue, and creates a premature Stop codon at position 14 of the new reading frame, denoted p.Ala142GlnfsTer14. Loss-of-function variants in RAD51D are known to be pathogenic. For these reasons, this variant has been classified as Pathogenic.

Counsyl
Classification: Likely pathogenic for Breast-ovarian cancer, familial, susceptibility to, 4. Last evaluated: 2017-12-22. Review status: no assertion criteria provided. Collection method: clinical testing. Allele origin: unknown. Not counted in ClinVar's aggregate classification.

OMIM
Classification: risk factor for BREAST-OVARIAN CANCER, FAMILIAL, SUSCEPTIBILITY TO, 4. Last evaluated: 2011-08-07. Review status: no assertion criteria provided. Collection method: literature only. Allele origin: germline. Not counted in ClinVar's aggregate classification.

Department of Pathology and Laboratory Medicine, Sinai Health System
Classification: Pathogenic for Breast-ovarian cancer, familial, susceptibility to, 4. Review status: no assertion criteria provided. Collection method: clinical testing. Allele origin: unknown. Affected: yes. Study: The Canadian Open Genetics Repository (COGR). Not counted in ClinVar's aggregate classification.
Comment: The RAD51D p.Ala122Glnfs*14 variant was identified in 1 of 1922 proband chromosomes (frequency: 0.0005) from individuals or families with breast cancer (Loveday 2011). The variant was also identified in dbSNP (ID: rs730881935) as "With Pathogenic allele", ClinVar (classified as pathogenic by GeneDx, Ambry Genetics, Invitae and one other submitter; and as likely pathogenic by Counsyl). The variant was not identified in the following control databases: the Exome Aggregation Consortium (August 8th 2016) or the Genome Aggregation Database (Feb 27, 2017). The c.363del variant is predicted to cause a frameshift, which alters the protein's amino acid sequence beginning at codon 122 and leads to a premature stop codon at position 135. This alteration is then predicted to result in a truncated or absent protein and loss of function. Loss of function variants of the RAD51D gene are an established mechanism of disease in RAD51D-associated cancers and is the type of variant expected to cause the disorder. In summary, based on the above information, this variant meets our laboratoryâ€šÃ„Ã´s criteria to be classified as pathogenic.

Literature cited by the submitters: PubMed 21822267 (cited by 7 submitters); PubMed 26681312 (cited by 4 submitters); PubMed 32107557 (cited by Ambry Genetics and Sema4); PubMed 32885271 (cited by 3 submitters); PubMed 29470806 (cited by 3 submitters); PubMed 28888541 (cited by Sema4).